The following is an entry in ClinVar:

ClinVar aggregate classification (germline): Uncertain significance (1 of 4 stars; one submission).

Submission:

Labcorp Genetics (formerly Invitae), Labcorp
Classification: Uncertain significance. Last evaluated: 2022-05-15. Review status: criteria provided, single submitter. Criteria: Invitae Variant Classification Sherloc (09022015). Collection method: clinical testing. Allele origin: germline.
Comment: In summary, the available evidence is currently insufficient to determine the role of this variant in disease. Therefore, it has been classified as a Variant of Uncertain Significance. Algorithms developed to predict the effect of missense changes on protein structure and function output the following: SIFT: "Tolerated"; PolyPhen-2: "Benign"; Align-GVGD: "Class C0". The asparagine amino acid residue is found in multiple mammalian species, which suggests that this missense change does not adversely affect protein function. This variant has not been reported in the literature in individuals affected with SETBP1-related conditions. This variant is not present in population databases (gnomAD no frequency). This sequence change replaces serine, which is neutral and polar, with asparagine, which is neutral and polar, at codon 294 of the SETBP1 protein (p.Ser294Asn).

NM_015559.3(SETBP1):c.881G>A (p.Ser294Asn)

Gene: SETBP1 (SET binding protein 1; plus strand). Cytogenetic location: 18q12.3.
Variant type: single nucleotide variant.
Coding change: c.881G>A on transcript NM_015559.3 (MANE Select); coding-DNA position 881, G replaced by A.
Protein change: p.Ser294Asn; replaces serine 294 with asparagine.
Molecular consequence: missense variant.
Genome position (GRCh38, 1-based): chr18:44,950,221, G>A. VCF-style: chr18-44950221-G-A. GRCh37 (hg19) VCF-style: chr18-42530186-G-A.
Other names: c.881G>A, p.Ser294Asn (NM_001379141.1, NM_001379142.1, NM_001410862.1); short protein forms S294N.
Identifiers: ClinVar variation 2149391 (VCV002149391.4), dbSNP rs2511465452, ClinGen allele CA402317032.